The following is an entry in ClinVar:

ClinVar aggregate classification (germline): Uncertain significance (1 of 4 stars; one submission).

Conditions:
Long QT syndrome (LQTS). Identifiers: MedGen C0023976, MeSH D008133, MONDO:0002442. Disease mechanism: loss of function. Inheritance: Various modes of inheritance.

Submission:

Labcorp Genetics (formerly Invitae), Labcorp
Classification: Uncertain significance for Long QT syndrome. Last evaluated: 2021-12-06. Review status: criteria provided, single submitter. Criteria: Invitae Variant Classification Sherloc (09022015). Collection method: clinical testing. Allele origin: germline.
Comment: This sequence change replaces histidine, which is basic and polar, with tyrosine, which is neutral and polar, at codon 1794 of the CACNA1C protein (p.His1794Tyr). This variant is not present in population databases (gnomAD no frequency). This variant has not been reported in the literature in individuals affected with CACNA1C-related conditions. Algorithms developed to predict the effect of missense changes on protein structure and function (SIFT, PolyPhen-2, Align-GVGD) all suggest that this variant is likely to be tolerated. In summary, the available evidence is currently insufficient to determine the role of this variant in disease. Therefore, it has been classified as a Variant of Uncertain Significance.

NM_000719.7(CACNA1C):c.5380C>T (p.His1794Tyr)

Genes: CACNA1C (calcium voltage-gated channel subunit alpha1 C; plus strand), CACNA1C-AS1 (CACNA1C antisense RNA 1; minus strand). Cytogenetic location: 12p13.33.
Variant type: single nucleotide variant.
Coding change: c.5380C>T on transcript NM_000719.7 (MANE Select); coding-DNA position 5380, C replaced by T.
Protein change: p.His1794Tyr; replaces histidine 1794 with tyrosine.
Molecular consequence: missense variant.
Genome position (GRCh38, 1-based): chr12:2,679,732, C>T. VCF-style: chr12-2679732-C-T. GRCh37 (hg19) VCF-style: chr12-2788898-C-T.
Other names: c.5524C>T, p.His1842Tyr (NM_001129827.2, NM_199460.4); c.5503C>T, p.His1835Tyr (NM_001129829.2); c.5380C>T, p.His1794Tyr (NM_001129830.3, NM_001129840.2, NM_001129841.2 and 4 more transcripts); c.5464C>T, p.His1822Tyr (NM_001129831.2); c.5440C>T, p.His1814Tyr (NM_001129832.2); c.5437C>T, p.His1813Tyr (NM_001129833.2, NM_001129834.2, NM_001129835.2); c.5431C>T, p.His1811Tyr (NM_001129836.2); c.5404C>T, p.His1802Tyr (NM_001129837.2, NM_001129838.2); and 3 more; short protein forms H1794Y, H1800Y, H1814Y, H1835Y, H1802Y, H1813Y, H1822Y, H1842Y.
Identifiers: ClinVar variation 1420335 (VCV001420335.6), dbSNP rs2153804093, ClinGen allele CA383379139.